The following is an entry in ClinVar:

NM_000518.5(HBB):c.316-51A>C

Genes: HBB (hemoglobin subunit beta; minus strand), LOC107133510 (origin of replication at HBB; plus strand), LOC110006319 (beta-globin gene 3' regulatory region; plus strand). Cytogenetic location: 11p15.4.
Variant type: single nucleotide variant.
Coding change: c.316-51A>C on transcript NM_000518.5 (MANE Select); 51 bases into the intron before coding-DNA position 316, A replaced by C.
Molecular consequence: intron variant.
Genome position (GRCh38, 1-based): chr11:5,225,777, T>G on the plus strand (A>C on the coding strand, the complement: HBB is on the minus strand). VCF-style: chr11-5225777-T-G. GRCh37 (hg19) VCF-style: chr11-5247007-T-G.
Identifiers: ClinVar variation 2877828 (VCV002877828.4), dbSNP rs2494292707, ClinGen allele CA653938547.

ClinVar aggregate classification (germline): Likely benign. Review status: criteria provided, multiple submitters, no conflicts (2 of 4 stars). 2 submissions from 2 submitters: Likely benign (2). Last evaluated 2024-11-14.

Submissions (2):

Women's Health and Genetics/Laboratory Corporation of America, LabCorp
Classification: Likely benign. Last evaluated: 2024-11-14. Review status: criteria provided, single submitter. Criteria: LabCorp Variant Classification Summary - May 2015. Collection method: clinical testing. Allele origin: germline.
Comment: Variant summary: HBB c.316-51A>C is located at a position not widely known to affect splicing. Consensus agreement among computation tools predict no significant impact on normal splicing. However, these predictions have yet to be confirmed by functional studies. The variant was absent in 249702 control chromosomes. The available data on variant occurrences in the general population are insufficient to allow any conclusion about variant significance. To our knowledge, no occurrence of c.316-51A>C in individuals affected with Hemoglobinopathy and no experimental evidence demonstrating its impact on protein function have been reported. ClinVar contains an entry for this variant (Variation ID: 2877828). Based on the evidence outlined above, the variant was classified as likely benign.

Labcorp Genetics (formerly Invitae), Labcorp
Classification: Likely benign. Last evaluated: 2023-04-03. Review status: criteria provided, single submitter. Criteria: Invitae Variant Classification Sherloc (09022015). Collection method: clinical testing. Allele origin: germline.